The following is an entry in ClinVar:

ClinVar aggregate classification (germline): Conflicting classifications of pathogenicity. Review status: criteria provided, conflicting classifications (1 of 4 stars). 3 submissions from 3 submitters: Uncertain significance (1); Likely benign (1). 1 of the submissions does not count toward it. Last evaluated 2026-08-21.

Conditions:
DYNC2I2-related disorder. Also called: DYNC2I2-related condition.
Short-rib thoracic dysplasia 11 with or without polydactyly (SRTD11). Also called: SHORT-RIB THORACIC DYSPLASIA 11 WITHOUT POLYDACTYLY. Identifiers: Orphanet 474, Orphanet 93271, MedGen C3810200, MONDO:0014287, OMIM 615633.

Allele frequency attached by ClinVar (database versions not stated): gnomAD 0.00020 and 0.00012; 1000 Genomes Project 30x 0.00141; gnomAD exomes 0.00013 and 0.00039; ExAC 0.00034; 1000 Genomes Project 0.00120; TOPMed 0.00029.

Submissions (3):

GeneDx
Classification: Uncertain significance. Last evaluated: 2026-08-21. Review status: criteria provided, single submitter. Criteria: GeneDx Variant Classification Process June 2021. Collection method: clinical testing. Allele origin: germline.
Comment: Identified in the heterozygous state in a fetus with anencephaly (PMID: 32576942); Published functional studies suggest a damaging effect (decreased activation of the SHH pathway) (PMID: 32576942); In silico analysis supports that this missense variant has a deleterious effect on protein structure/function; This variant is associated with the following publications: (PMID: 32576942)

Labcorp Genetics (formerly Invitae), Labcorp
Classification: Likely benign for Short-rib thoracic dysplasia 11 with or without polydactyly. Last evaluated: 2025-05-06. Review status: criteria provided, single submitter. Criteria: Invitae Variant Classification Sherloc (09022015). Collection method: clinical testing. Allele origin: germline.

PreventionGenetics, part of Exact Sciences
Classification: Likely benign for DYNC2I2-related condition. Last evaluated: 2020-08-04. Review status: no assertion criteria provided. Collection method: clinical testing. Allele origin: germline. Not counted in ClinVar's aggregate classification.
Comment: This variant is classified as likely benign based on ACMG/AMP sequence variant interpretation guidelines (Richards et al. 2015 PMID: 25741868, with internal and published modifications).

NM_052844.4(DYNC2I2):c.1310A>G (p.Tyr437Cys)

Gene: DYNC2I2 (dynein 2 intermediate chain 2; minus strand). Cytogenetic location: 9q34.11.
Variant type: single nucleotide variant.
Coding change: c.1310A>G on transcript NM_052844.4 (MANE Select); coding-DNA position 1310, A replaced by G.
Protein change: p.Tyr437Cys; replaces tyrosine 437 with cysteine.
Molecular consequence: missense variant.
Genome position (GRCh38, 1-based): chr9:128,634,288, T>C on the plus strand (A>G on the coding strand, the complement: DYNC2I2 is on the minus strand). VCF-style: chr9-128634288-T-C. GRCh37 (hg19) VCF-style: chr9-131396567-T-C.
Other names: short protein forms Y437C.
Identifiers: ClinVar variation 707212 (VCV000707212.14), dbSNP rs186236478, ClinGen allele CA5266271.